The following is an entry in ClinVar:

ClinVar aggregate classification (germline): Uncertain significance. Review status: criteria provided, multiple submitters, no conflicts (2 of 4 stars). 3 submissions from 3 submitters: Uncertain significance (3). Last evaluated 2026-08-02.

Conditions:
PLEC-related disorder. Also called: PLEC-related condition; PLEC-related disorders.
Autosomal recessive limb-girdle muscular dystrophy type 2Q (LGMDR17). Also called: MUSCULAR DYSTROPHY, LIMB-GIRDLE, AUTOSOMAL RECESSIVE 17. Identifiers: Orphanet 254361, MedGen C3150989, MONDO:0013390, OMIM 613723.
Epidermolysis bullosa simplex 5B, with muscular dystrophy (EBS5B). Also called: EPIDERMOLYSIS BULLOSA SIMPLEX AND LIMB-GIRDLE MUSCULAR DYSTROPHY; Epidermolysis bullosa simplex with muscular dystrophy. Identifiers: Orphanet 257, MedGen C2931072, MONDO:0009181, OMIM 226670.
Epidermolysis bullosa simplex with nail dystrophy (EBS5D). Identifiers: MedGen C4225309, MONDO:0014661, OMIM 616487.
Epidermolysis bullosa simplex 5C, with pyloric atresia (EBS5C). Also called: PLEC-Related Epidermolysis Bullosa with Pyloric Atresia; Epidermolysis bullosa simplex with pyloric atresia; PLEC1-Related Epidermolysis Bullosa with Pyloric Atresia. Identifiers: Orphanet 158684, MedGen C2677349, MONDO:0012807, OMIM 612138.
Epidermolysis bullosa simplex, Ogna type (EBS5A). Also called: EPIDERMOLYSIS BULLOSA SIMPLEX 5A, OGNA TYPE; Pidermolysis bullosa simplex 5A, Ogna type. Identifiers: Orphanet 79401, MedGen C0432317, MONDO:0007555, OMIM 131950.

Allele frequency attached by ClinVar (database versions not stated): gnomAD 0.00002 and 0.00003; gnomAD exomes 0.00002 and 0.00006; ExAC 0.00009; 1000 Genomes Project 30x 0.00016; 1000 Genomes Project 0.00020; TOPMed 0.00003.
gnomAD v4.1: 27 of 1,586,906 alleles (0.0017%); highest among the groups gnomAD compares: East Asian, 0.028%; no homozygotes.

Submissions (3):

PreventionGenetics, part of Exact Sciences
Classification: Uncertain significance for PLEC-related condition. Last evaluated: 2026-08-02. Review status: criteria provided, single submitter. Criteria: ACMG Guidelines, 2015. Collection method: clinical testing. Allele origin: germline.
Comment: The PLEC c.13579G>A variant is predicted to result in the amino acid substitution p.Gly4527Ser. To our knowledge, this variant has not been reported in the literature. This variant is reported in 0.036% of alleles in individuals of East Asian descent in gnomAD. At this time, the clinical significance of this variant is uncertain due to the absence of conclusive functional and genetic evidence.

Labcorp Genetics (formerly Invitae), Labcorp
Classification: Uncertain significance for Autosomal recessive limb-girdle muscular dystrophy type 2Q; Epidermolysis bullosa simplex, Ogna type; Epidermolysis bullosa simplex with nail dystrophy; Epidermolysis bullosa simplex 5C, with pyloric atresia; Epidermolysis bullosa simplex 5B, with muscular dystrophy. Last evaluated: 2026-01-09. Review status: criteria provided, single submitter. Criteria: Invitae Variant Classification Sherloc (09022015). Collection method: clinical testing. Allele origin: germline.
Comment: This sequence change replaces glycine, which is neutral and non-polar, with serine, which is neutral and polar, at codon 4527 of the PLEC protein (p.Gly4527Ser). This variant is present in population databases (rs567240737, gnomAD 0.04%). This variant has not been reported in the literature in individuals affected with PLEC-related conditions. ClinVar contains an entry for this variant (Variation ID: 659257). Invitae Evidence Modeling of protein sequence and biophysical properties (such as structural, functional, and spatial information, amino acid conservation, physicochemical variation, residue mobility, and thermodynamic stability) indicates that this missense variant is not expected to disrupt PLEC protein function with a negative predictive value of 80%. In summary, the available evidence is currently insufficient to determine the role of this variant in disease. Therefore, it has been classified as a Variant of Uncertain Significance.

Revvity Omics, Revvity
Classification: Uncertain significance. Last evaluated: 2023-08-17. Review status: criteria provided, single submitter. Criteria: ACMG Guidelines, 2015. Collection method: clinical testing. Allele origin: germline.

NM_201384.3(PLEC):c.13498G>A (p.Gly4500Ser)

Gene: PLEC (plectin; minus strand). Cytogenetic location: 8q24.3.
Variant type: single nucleotide variant.
Coding change: c.13498G>A on transcript NM_201384.3 (MANE Select); coding-DNA position 13498, G replaced by A.
Protein change: p.Gly4500Ser; replaces glycine 4500 with serine.
Molecular consequence: missense variant.
Genome position (GRCh38, 1-based): chr8:143,916,323, C>T on the plus strand (G>A on the coding strand, the complement: PLEC is on the minus strand). VCF-style: chr8-143916323-C-T. GRCh37 (hg19) VCF-style: chr8-144990491-C-T.
Other names: c.13579G>A, p.Gly4527Ser (NM_000445.5); c.13456G>A, p.Gly4486Ser (NM_201378.4); c.13432G>A, p.Gly4478Ser (NM_201379.3); c.13909G>A, p.Gly4637Ser (NM_201380.4); c.13402G>A, p.Gly4468Ser (NM_201381.3); c.13498G>A, p.Gly4500Ser (NM_201382.4); c.13510G>A, p.Gly4504Ser (NM_201383.3); short protein forms G4504S, G4527S, G4468S, G4486S, G4500S, G4637S, G4478S.
Identifiers: ClinVar variation 659257 (VCV000659257.11), dbSNP rs567240737, ClinGen allele CA4923777.